The following is an entry in ClinVar:

ClinVar aggregate classification (germline): Uncertain significance (1 of 4 stars; one submission).

Conditions:
Wilson disease (WND). Also called: Wilson's disease. Identifiers: Orphanet 905, MedGen C0019202, MONDO:0010200, OMIM 277900. Disease mechanism: loss of function.

Allele frequency attached by ClinVar (database versions not stated): TOPMed below 0.00001.

Submission:

Labcorp Genetics (formerly Invitae), Labcorp
Classification: Uncertain significance for Wilson disease. Last evaluated: 2023-10-03. Review status: criteria provided, single submitter. Criteria: Invitae Variant Classification Sherloc (09022015). Collection method: clinical testing. Allele origin: germline.
Comment: This sequence change replaces asparagine, which is neutral and polar, with histidine, which is basic and polar, at codon 1108 of the ATP7B protein (p.Asn1108His). This variant is not present in population databases (gnomAD no frequency). This variant has not been reported in the literature in individuals affected with ATP7B-related conditions. ClinVar contains an entry for this variant (Variation ID: 2130422). Advanced modeling of protein sequence and biophysical properties (such as structural, functional, and spatial information, amino acid conservation, physicochemical variation, residue mobility, and thermodynamic stability) performed at Invitae indicates that this missense variant is not expected to disrupt ATP7B protein function. In summary, the available evidence is currently insufficient to determine the role of this variant in disease. Therefore, it has been classified as a Variant of Uncertain Significance.

NM_000053.4(ATP7B):c.3322A>C (p.Asn1108His)

Gene: ATP7B (ATPase copper transporting beta; minus strand). Cytogenetic location: 13q14.3.
Variant type: single nucleotide variant.
Coding change: c.3322A>C on transcript NM_000053.4 (MANE Select); coding-DNA position 3322, A replaced by C.
Protein change: p.Asn1108His; replaces asparagine 1108 with histidine.
Molecular consequence: missense variant.
Genome position (GRCh38, 1-based): chr13:51,942,476, T>G on the plus strand (A>C on the coding strand, the complement: ATP7B is on the minus strand). VCF-style: chr13-51942476-T-G. GRCh37 (hg19) VCF-style: chr13-52516612-T-G.
Other names: c.3268A>C, p.Asn1090His (NM_001406516.1, NM_001406515.1); c.3226A>C, p.Asn1076His (NM_001406517.1, NM_001406518.1); c.3187A>C, p.Asn1063His (NM_001406519.1); c.3178A>C, p.Asn1060His (NM_001406520.1, NM_001406521.1, NM_001406522.1); c.3139A>C, p.Asn1047His (NM_001406523.1); c.3145A>C, p.Asn1049His (NM_001406524.1); c.3127A>C, p.Asn1043His (NM_001406525.1); c.2983A>C, p.Asn995His (NM_001406537.1); and 19 more; short protein forms N1076H, N1108H, N827H, N892H, N959H, N965H, N997H, N1012H.
Identifiers: ClinVar variation 2130422 (VCV002130422.4), dbSNP rs1957394893, ClinGen allele CA388028360.
Genomic context (GRCh38, chr13:51,942,476, plus strand): 5'-TCAGGTGACTGGCCGGTGCACTCAAAGGGCGCTCACTGTGGGCCAGGATGCCTTCCACGT[T>G]GCTGACTTTGCACCCAATTCCACAGCCTGGCACTGCCTGGAAGTCCGTGCAGTATCCCAA-3'
Protein context (NP_000044.2, residues 1098-1118): PGCGIGCKVS[Asn1108His]VEGILAHSER